The following is an entry in ClinVar:

ClinVar aggregate classification (germline): Uncertain significance (1 of 4 stars; one submission).

Conditions:
Werner syndrome (WRN). Identifiers: Orphanet 902, MedGen C0043119, MONDO:0010196, OMIM 277700.

Submission:

Labcorp Genetics (formerly Invitae), Labcorp
Classification: Uncertain significance for Werner syndrome. Last evaluated: 2022-12-24. Review status: criteria provided, single submitter. Criteria: Invitae Variant Classification Sherloc (09022015). Collection method: clinical testing. Allele origin: germline.
Comment: This sequence change replaces valine, which is neutral and non-polar, with alanine, which is neutral and non-polar, at codon 28 of the WRN protein (p.Val28Ala). This variant is not present in population databases (gnomAD no frequency). This variant has not been reported in the literature in individuals affected with WRN-related conditions. Algorithms developed to predict the effect of missense changes on protein structure and function output the following: SIFT: "Not Available"; PolyPhen-2: "Benign"; Align-GVGD: "Not Available". The alanine amino acid residue is found in multiple mammalian species, which suggests that this missense change does not adversely affect protein function. In summary, the available evidence is currently insufficient to determine the role of this variant in disease. Therefore, it has been classified as a Variant of Uncertain Significance.

NM_000553.6(WRN):c.83T>C (p.Val28Ala)

Gene: WRN (WRN RecQ like helicase; plus strand). Cytogenetic location: 8p12.
Variant type: single nucleotide variant.
Coding change: c.83T>C on transcript NM_000553.6 (MANE Select); coding-DNA position 83, T replaced by C.
Protein change: p.Val28Ala; replaces valine 28 with alanine.
Molecular consequence: missense variant.
Genome position (GRCh38, 1-based): chr8:31,058,530, T>C. VCF-style: chr8-31058530-T-C. GRCh37 (hg19) VCF-style: chr8-30916046-T-C.
Other names: short protein forms V28A.
Identifiers: ClinVar variation 2823158 (VCV002823158.3), dbSNP rs2487266548, ClinGen allele CA370912269.